The following is an entry in ClinVar:

ClinVar aggregate classification (germline): Uncertain significance (1 of 4 stars; one submission).

Submission:

Labcorp Genetics (formerly Invitae), Labcorp
Classification: Uncertain significance. Last evaluated: 2025-06-27. Review status: criteria provided, single submitter. Criteria: Invitae Variant Classification Sherloc (09022015). Collection method: clinical testing. Allele origin: germline.
Comment: This sequence change replaces arginine, which is basic and polar, with cysteine, which is neutral and slightly polar, at codon 68 of the SMOC2 protein (p.Arg68Cys). This variant is present in population databases (rs201154391, gnomAD 0.002%). This variant has not been reported in the literature in individuals affected with SMOC2-related conditions. An algorithm developed to predict the effect of missense changes on protein structure and function (PolyPhen-2) suggests that this variant is likely to be disruptive. In summary, the available evidence is currently insufficient to determine the role of this variant in disease. Therefore, it has been classified as a Variant of Uncertain Significance.

NM_001166412.2(SMOC2):c.202C>T (p.Arg68Cys)

Gene: SMOC2 (SPARC related modular calcium binding 2; plus strand). Cytogenetic location: 6q27.
Variant type: single nucleotide variant.
Coding change: c.202C>T on transcript NM_001166412.2 (MANE Select); coding-DNA position 202, C replaced by T.
Protein change: p.Arg68Cys; replaces arginine 68 with cysteine.
Molecular consequence: missense variant.
Genome position (GRCh38, 1-based): chr6:168,510,032, C>T. VCF-style: chr6-168510032-C-T. GRCh37 (hg19) VCF-style: chr6-168910712-C-T.
Other names: c.202C>T, p.Arg68Cys (NM_022138.3); short protein forms R68C.
Identifiers: ClinVar variation 4776808 (VCV004776808.1).